The following is an entry in ClinVar:

NM_017654.4(SAMD9):c.3653A>G (p.Asp1218Gly)

Gene: SAMD9 (sterile alpha motif domain containing 9; minus strand). Cytogenetic location: 7q21.2.
Variant type: single nucleotide variant.
Coding change: c.3653A>G on transcript NM_017654.4 (MANE Select); coding-DNA position 3653, A replaced by G.
Protein change: p.Asp1218Gly; replaces aspartic acid 1218 with glycine.
Molecular consequence: missense variant.
Genome position (GRCh38, 1-based): chr7:93,102,445, T>C on the plus strand (A>G on the coding strand, the complement: SAMD9 is on the minus strand). VCF-style: chr7-93102445-T-C. GRCh37 (hg19) VCF-style: chr7-92731758-T-C.
Other names: c.3653A>G, p.Asp1218Gly (NM_001193307.2); short protein forms D1218G.
Identifiers: ClinVar variation 4863802 (VCV004863802.1).

ClinVar aggregate classification (germline): Uncertain significance (1 of 4 stars; one submission).

Conditions:
Inborn genetic diseases. Identifiers: MedGen C0950123, MeSH D030342.

gnomAD v4.1: 1 of 1,613,522 alleles (0.000062%); highest among the groups gnomAD compares: Non-Finnish European, 0.000085%; no homozygotes.

Submission:

Ambry Genetics
Classification: Uncertain significance for Inborn genetic diseases. Last evaluated: 2026-04-08. Review status: criteria provided, single submitter. Criteria: Ambry Variant Classification Scheme 2023. Collection method: clinical testing. Allele origin: germline.
Comment: The p.D1218G variant (also known as c.3653A>G), located in coding exon 1 of the SAMD9 gene, results from an A to G substitution at nucleotide position 3653. The aspartic acid at codon 1218 is replaced by glycine, an amino acid with similar properties. This amino acid position is conserved. In addition, this alteration is predicted to be tolerated by in silico analysis. Based on the available evidence, the clinical significance of this variant remains unclear.